The following is an entry in ClinVar:

NM_144687.4(NLRP12):c.289G>T (p.Asp97Tyr)

Gene: NLRP12 (NLR family pyrin domain containing 12; minus strand). Cytogenetic location: 19q13.42.
Variant type: single nucleotide variant.
Coding change: c.289G>T on transcript NM_144687.4 (MANE Select); coding-DNA position 289, G replaced by T.
Protein change: p.Asp97Tyr; replaces aspartic acid 97 with tyrosine.
Molecular consequence: missense variant.
Genome position (GRCh38, 1-based): chr19:53,823,886, C>A on the plus strand (G>T on the coding strand, the complement: NLRP12 is on the minus strand). VCF-style: chr19-53823886-C-A. GRCh37 (hg19) VCF-style: chr19-54327140-C-A.
Other names: c.289G>T, p.Asp97Tyr (NM_001277126.2, NM_001277129.1); short protein forms D97Y.
Identifiers: ClinVar variation 4763520 (VCV004763520.1).

ClinVar aggregate classification (germline): Uncertain significance (1 of 4 stars; one submission).

Conditions:
Familial cold autoinflammatory syndrome 2 (FCAS2). Identifiers: Orphanet 247868, MedGen C2673198, MONDO:0012724, OMIM 611762.

gnomAD v4.1: 1 of 1,613,926 alleles (0.000062%); highest among the groups gnomAD compares: Non-Finnish European, 0.000085%; no homozygotes.

Submission:

Labcorp Genetics (formerly Invitae), Labcorp
Classification: Uncertain significance for Familial cold autoinflammatory syndrome 2. Last evaluated: 2025-12-03. Review status: criteria provided, single submitter. Criteria: Invitae Variant Classification Sherloc (09022015). Collection method: clinical testing. Allele origin: germline.
Comment: This sequence change replaces aspartic acid, which is acidic and polar, with tyrosine, which is neutral and polar, at codon 97 of the NLRP12 protein (p.Asp97Tyr). This variant also falls at the last nucleotide of exon 1, which is part of the consensus splice site for this exon. This variant is not present in population databases (gnomAD no frequency). This variant has not been reported in the literature in individuals affected with NLRP12-related conditions. An algorithm developed to predict the effect of missense changes on protein structure and function (PolyPhen-2) suggests that this variant is likely to be disruptive. Variants that disrupt the consensus splice site are a relatively common cause of aberrant splicing (PMID: 17576681, 9536098). Algorithms developed to predict the effect of sequence changes on RNA splicing suggest that this variant may disrupt the consensus splice site. In summary, the available evidence is currently insufficient to determine the role of this variant in disease. Therefore, it has been classified as a Variant of Uncertain Significance.

Literature cited by the submitters: PubMed 17576681; PubMed 9536098.